The following is an entry in ClinVar:

NM_177924.5(ASAH1):c.922G>A (p.Asp308Asn)

Gene: ASAH1 (N-acylsphingosine amidohydrolase 1; minus strand). Cytogenetic location: 8p22.
Variant type: single nucleotide variant.
Coding change: c.922G>A on transcript NM_177924.5 (MANE Select); coding-DNA position 922, G replaced by A.
Protein change: p.Asp308Asn; replaces aspartic acid 308 with asparagine.
Molecular consequence: missense variant.
Genome position (GRCh38, 1-based): chr8:18,059,460, C>T on the plus strand (G>A on the coding strand, the complement: ASAH1 is on the minus strand). VCF-style: chr8-18059460-C-T. GRCh37 (hg19) VCF-style: chr8-17916969-C-T.
Other names: c.904G>A, p.Asp302Asn (NM_001127505.3); c.727G>A, p.Asp243Asn (NM_001363743.2); c.970G>A, p.Asp324Asn (NM_004315.6); short protein forms D243N, D302N, D308N, D324N.
Identifiers: ClinVar variation 1371415 (VCV001371415.5), dbSNP rs758747892, ClinGen allele CA370427665.

ClinVar aggregate classification (germline): Uncertain significance (1 of 4 stars; one submission).

gnomAD v4.1: 8 of 1,614,140 alleles (0.0005%); highest among the groups gnomAD compares: African/African-American, 0.0027%; no homozygotes.

Submission:

Labcorp Genetics (formerly Invitae), Labcorp
Classification: Uncertain significance. Last evaluated: 2022-07-19. Review status: criteria provided, single submitter. Criteria: Invitae Variant Classification Sherloc (09022015). Collection method: clinical testing. Allele origin: germline.
Comment: This sequence change replaces aspartic acid, which is acidic and polar, with asparagine, which is neutral and polar, at codon 308 of the ASAH1 protein (p.Asp308Asn). This variant is not present in population databases (gnomAD no frequency). This variant has not been reported in the literature in individuals affected with ASAH1-related conditions. ClinVar contains an entry for this variant (Variation ID: 1371415). Algorithms developed to predict the effect of missense changes on protein structure and function output the following: SIFT: "Tolerated"; PolyPhen-2: "Benign"; Align-GVGD: "Class C0". The asparagine amino acid residue is found in multiple mammalian species, which suggests that this missense change does not adversely affect protein function. In summary, the available evidence is currently insufficient to determine the role of this variant in disease. Therefore, it has been classified as a Variant of Uncertain Significance.